The following is an entry in ClinVar:

NM_001144967.3(NEDD4L):c.767G>A (p.Ser256Asn)

Gene: NEDD4L (NEDD4 like E3 ubiquitin protein ligase; plus strand). Cytogenetic location: 18q21.31.
Variant type: single nucleotide variant.
Coding change: c.767G>A on transcript NM_001144967.3 (MANE Select); coding-DNA position 767, G replaced by A.
Protein change: p.Ser256Asn; replaces serine 256 with asparagine.
Molecular consequence: missense variant.
Genome position (GRCh38, 1-based): chr18:58,329,081, G>A. VCF-style: chr18-58329081-G-A. GRCh37 (hg19) VCF-style: chr18-55996313-G-A.
Other names: c.404G>A, p.Ser135Asn (NM_001144964.1, NM_001144965.2, NM_001144966.3 and 2 more transcripts); c.743G>A, p.Ser248Asn (NM_001144968.2, NM_001144969.2); c.767G>A, p.Ser256Asn (NM_001243960.2, NM_015277.6); short protein forms S248N, S135N, S256N.
Identifiers: ClinVar variation 946674 (VCV000946674.9), dbSNP rs2059568831, ClinGen allele CA402554542.
Genomic context (GRCh38, chr18:58,329,081, plus strand): 5'-ACATCAGACAGATCAACCAGGAGGCAGCACACCGGCGCTTCCGCTCCCGCAGGCACATCA[G>A]CGAAGACTTGGAGCCCGAGCCCTCGGAGGGCGGGGATGTCCCCGAGGTACGATGTCCCCA-3'
Protein context (NP_001138439.1, residues 246-266): HRRFRSRRHI[Ser256Asn]EDLEPEPSEG

ClinVar aggregate classification (germline): Uncertain significance (1 of 4 stars; one submission).

Submission:

Labcorp Genetics (formerly Invitae), Labcorp
Classification: Uncertain significance. Last evaluated: 2021-03-09. Review status: criteria provided, single submitter. Criteria: Invitae Variant Classification Sherloc (09022015). Collection method: clinical testing. Allele origin: germline.
Comment: This sequence change replaces serine with asparagine at codon 256 of the NEDD4L protein (p.Ser256Asn). The serine residue is moderately conserved and there is a small physicochemical difference between serine and asparagine. This variant is not present in population databases (ExAC no frequency). This variant has not been reported in the literature in individuals with NEDD4L-related conditions. Algorithms developed to predict the effect of missense changes on protein structure and function are either unavailable or do not agree on the potential impact of this missense change (SIFT: "Deleterious"; PolyPhen-2: "Probably Damaging"; Align-GVGD: "Class C0"). In summary, the available evidence is currently insufficient to determine the role of this variant in disease. Therefore, it has been classified as a Variant of Uncertain Significance.